The following is an entry in ClinVar:

ClinVar aggregate classification (germline): Uncertain significance (1 of 4 stars; one submission).

Conditions:
Combined oxidative phosphorylation defect type 14. Also called: Combined oxidative phosphorylation deficiency 14. Identifiers: Orphanet 319519, MedGen C4755312, MONDO:0013986, OMIM 614946.

Allele frequency attached by ClinVar (database versions not stated): gnomAD exomes below 0.00001; gnomAD 0.00001; TOPMed 0.00001.
gnomAD v4.1: 4 of 1,613,698 alleles (0.00025%); highest among the groups gnomAD compares: African/African-American, 0.0027%; no homozygotes.

Submission:

Labcorp Genetics (formerly Invitae), Labcorp
Classification: Uncertain significance for Combined oxidative phosphorylation defect type 14. Last evaluated: 2022-06-27. Review status: criteria provided, single submitter. Criteria: Invitae Variant Classification Sherloc (09022015). Collection method: clinical testing. Allele origin: germline.
Comment: In summary, the available evidence is currently insufficient to determine the role of this variant in disease. Therefore, it has been classified as a Variant of Uncertain Significance. Advanced modeling of protein sequence and biophysical properties (such as structural, functional, and spatial information, amino acid conservation, physicochemical variation, residue mobility, and thermodynamic stability) performed at Invitae indicates that this missense variant is not expected to disrupt FARS2 protein function. This variant has not been reported in the literature in individuals affected with FARS2-related conditions. This variant is present in population databases (no rsID available, gnomAD 0.003%). This sequence change replaces isoleucine, which is neutral and non-polar, with valine, which is neutral and non-polar, at codon 308 of the FARS2 protein (p.Ile308Val).

NM_006567.5(FARS2):c.922A>G (p.Ile308Val)

Gene: FARS2 (phenylalanyl-tRNA synthetase 2, mitochondrial; plus strand). Cytogenetic location: 6p25.1.
Variant type: single nucleotide variant.
Coding change: c.922A>G on transcript NM_006567.5 (MANE Select); coding-DNA position 922, A replaced by G.
Protein change: p.Ile308Val; replaces isoleucine 308 with valine.
Molecular consequence: missense variant.
Genome position (GRCh38, 1-based): chr6:5,545,197, A>G. VCF-style: chr6-5545197-A-G. GRCh37 (hg19) VCF-style: chr6-5545430-A-G.
Other names: c.922A>G, p.Ile308Val (NM_001318872.2, NM_001374875.1, NM_001374876.1 and 4 more transcripts); c.790A>G, p.Ile264Val (NM_001375258.1); c.226A>G, p.Ile76Val (NM_001375259.1, NM_001375260.1); short protein forms I76V, I264V, I308V.
Identifiers: ClinVar variation 1963037 (VCV001963037.5), dbSNP rs1488416952, ClinGen allele CA362736408.